The following is an entry in ClinVar:

ClinVar aggregate classification (germline): Likely pathogenic (1 of 4 stars; one submission).

Conditions:
Autosomal recessive nonsyndromic hearing loss 12. Also called: DEAFNESS, AUTOSOMAL RECESSIVE 12. Identifiers: Orphanet 90636, MedGen C1832394, MONDO:0011067, OMIM 601386.

gnomAD v4.1: 1 of 1,610,058 alleles (0.000062%); highest among the groups gnomAD compares: East Asian, 0.0022%; no homozygotes.

Submission:

Institute of Rare Diseases, West China Hospital, Sichuan University
Classification: Likely pathogenic for Autosomal recessive nonsyndromic hearing loss 12. Last evaluated: 2025-01-09. Review status: criteria provided, single submitter. Criteria: ClinGen HL ACMG Specifications v1. Collection method: research. Allele origin: germline. Affected: yes.
Comment: PM3_Strong;PP1;PM2_Supporting;PP3

NM_022124.6(CDH23):c.1765G>A (p.Asp589Asn)

Gene: CDH23 (cadherin related 23; plus strand). Cytogenetic location: 10q22.1.
Variant type: single nucleotide variant.
Coding change: c.1765G>A on transcript NM_022124.6 (MANE Select); coding-DNA position 1765, G replaced by A.
Protein change: p.Asp589Asn; replaces aspartic acid 589 with asparagine.
Molecular consequence: missense variant.
Genome position (GRCh38, 1-based): chr10:71,679,399, G>A. VCF-style: chr10-71679399-G-A. GRCh37 (hg19) VCF-style: chr10-73439156-G-A.
Other names: c.1765G>A, p.Asp589Asn (NM_001171930.2, NM_001171931.2); short protein forms D589N.
Identifiers: ClinVar variation 3601165 (VCV003601165.1).